The following is an entry in ClinVar:

NM_001048174.2(MUTYH):c.1372G>T (p.Val458Phe)

Gene: MUTYH (mutY DNA glycosylase; minus strand). Cytogenetic location: 1p34.1.
Variant type: single nucleotide variant.
Coding change: c.1372G>T on transcript NM_001048174.2 (MANE Select); coding-DNA position 1372, G replaced by T.
Protein change: p.Val458Phe; replaces valine 458 with phenylalanine.
Molecular consequence: missense variant. On other transcripts: non-coding transcript variant (7).
Genome position (GRCh38, 1-based): chr1:45,331,202, C>A on the plus strand (G>T on the coding strand, the complement: MUTYH is on the minus strand). VCF-style: chr1-45331202-C-A. GRCh37 (hg19) VCF-style: chr1-45796874-C-A.
Other names: c.1372G>T, p.Val458Phe (NM_001048171.2, NM_001048173.2, NM_001293195.2 and 6 more transcripts); c.1375G>T, p.Val459Phe (NM_001048172.2, NM_001407071.1, NM_001407078.1 and 1 more transcripts); c.1456G>T, p.Val486Phe (NM_001128425.2); c.1417G>T, p.Val473Phe (NM_001293190.2); c.1405G>T, p.Val469Phe (NM_001293191.2, NM_001407069.1, NM_001407077.1); c.1096G>T, p.Val366Phe (NM_001293192.2, NM_001293196.2, NM_001407091.1); c.1027G>T, p.Val343Phe (NM_001350650.2, NM_001350651.2, NM_001407082.1); c.1288G>T, p.Val430Phe (NM_001407075.1); and 5 more; short protein forms V366F, V444F, V459F, V472F, V343F, V445F, V458F, V483F.
Identifiers: ClinVar variation 2587460 (VCV002587460.2), dbSNP rs151144295, ClinGen allele CA340132525.

ClinVar aggregate classification (germline): Uncertain significance (1 of 4 stars; one submission).

Conditions:
Hereditary cancer-predisposing syndrome. Also called: Tumor predisposition; Hereditary Cancer Syndrome; Hereditary neoplastic syndrome; Neoplastic Syndromes, Hereditary. Identifiers: Orphanet 140162, MedGen C0027672, MeSH D009386, MONDO:0015356.

Submission:

Ambry Genetics
Classification: Uncertain significance for Hereditary cancer-predisposing syndrome. Last evaluated: 2023-09-10. Review status: criteria provided, single submitter. Criteria: Ambry Variant Classification Scheme 2023. Collection method: clinical testing. Allele origin: germline.
Comment: The p.V486F variant (also known as c.1456G>T), located in coding exon 14 of the MUTYH gene, results from a G to T substitution at nucleotide position 1456. The valine at codon 486 is replaced by phenylalanine, an amino acid with highly similar properties. This amino acid position is conserved. In addition, this alteration is predicted to be deleterious by in silico analysis. Since supporting evidence is limited at this time, the clinical significance of this alteration remains unclear.